The following is an entry in ClinVar:

NM_001277115.2(DNAH11):c.9822C>G (p.His3274Gln)

Gene: DNAH11 (dynein axonemal heavy chain 11; plus strand). Cytogenetic location: 7p15.3.
Variant type: single nucleotide variant.
Coding change: c.9822C>G on transcript NM_001277115.2 (MANE Select); coding-DNA position 9822, C replaced by G.
Protein change: p.His3274Gln; replaces histidine 3274 with glutamine.
Molecular consequence: missense variant.
Genome position (GRCh38, 1-based): chr7:21,787,481, C>G. VCF-style: chr7-21787481-C-G. GRCh37 (hg19) VCF-style: chr7-21827099-C-G.
Other names: short protein forms H3274Q.
Identifiers: ClinVar variation 4744319 (VCV004744319.1).

ClinVar aggregate classification (germline): Uncertain significance (1 of 4 stars; one submission).

Conditions:
Primary ciliary dyskinesia. Also called: Ciliary dyskinesia. Identifiers: Orphanet 244, MedGen C0008780, MONDO:0016575, HP:0012265.

gnomAD v4.1: 4 of 1,613,784 alleles (0.00025%); highest among the groups gnomAD compares: Non-Finnish European, 0.00034%; no homozygotes.

Submission:

Labcorp Genetics (formerly Invitae), Labcorp
Classification: Uncertain significance for Primary ciliary dyskinesia. Last evaluated: 2025-10-22. Review status: criteria provided, single submitter. Criteria: Invitae Variant Classification Sherloc (09022015). Collection method: clinical testing. Allele origin: germline.
Comment: This sequence change replaces histidine, which is basic and polar, with glutamine, which is neutral and polar, at codon 3274 of the DNAH11 protein (p.His3274Gln). This variant is not present in population databases (gnomAD no frequency). This variant has not been reported in the literature in individuals affected with DNAH11-related conditions. Invitae Evidence Modeling of protein sequence and biophysical properties (such as structural, functional, and spatial information, amino acid conservation, physicochemical variation, residue mobility, and thermodynamic stability) indicates that this missense variant is not expected to disrupt DNAH11 protein function with a negative predictive value of 95%. In summary, the available evidence is currently insufficient to determine the role of this variant in disease. Therefore, it has been classified as a Variant of Uncertain Significance.